The following is an entry in ClinVar:

NM_000238.4(KCNH2):c.2718G>A (p.Ser906=)

Gene: KCNH2 (potassium voltage-gated channel subfamily H member 2; minus strand). Cytogenetic location: 7q36.1.
Variant type: single nucleotide variant.
Coding change: c.2718G>A on transcript NM_000238.4 (MANE Select); coding-DNA position 2718, G replaced by A.
Protein change: p.Ser906=; no amino-acid change (serine 906 retained).
Molecular consequence: synonymous variant.
Genome position (GRCh38, 1-based): chr7:150,947,853, C>T on the plus strand (G>A on the coding strand, the complement: KCNH2 is on the minus strand). VCF-style: chr7-150947853-C-T. GRCh37 (hg19) VCF-style: chr7-150644941-C-T.
Other names: c.2430G>A, p.Ser810= (NM_001406753.1); c.1698G>A, p.Ser566= (NM_172057.3).
Identifiers: ClinVar variation 2910694 (VCV002910694.4), dbSNP rs1800974753, ClinGen allele CA458870864.

ClinVar aggregate classification (germline): Likely benign. Review status: criteria provided, multiple submitters, no conflicts (2 of 4 stars). 2 submissions from 2 submitters: Likely benign (2). Last evaluated 2024-09-23.

Conditions:
Long QT syndrome (LQTS). Identifiers: MedGen C0023976, MeSH D008133, MONDO:0002442. Disease mechanism: loss of function. Inheritance: Various modes of inheritance.

gnomAD v4.1: 5 of 1,528,188 alleles (0.00033%); highest among the groups gnomAD compares: South Asian, 0.0012%; no homozygotes.

Submissions (2):

All of Us Research Program, National Institutes of Health
Classification: Likely benign for Long QT syndrome. Last evaluated: 2024-09-23. Review status: criteria provided, single submitter. Criteria: ACMG Guidelines, 2015. Collection method: clinical testing. Allele origin: germline. Inheritance: Autosomal dominant inheritance. Observed: 3 variant alleles, 3 heterozygotes.
Comment: This study involves interpretation of variants in research participants for the purpose of population health screening. Participant phenotype was not available at the time of variant classification. Additional details can be found in publication PMID: 35346344, PMCID: PMC8962531

Labcorp Genetics (formerly Invitae), Labcorp
Classification: Likely benign for Long QT syndrome. Last evaluated: 2023-11-30. Review status: criteria provided, single submitter. Criteria: Invitae Variant Classification Sherloc (09022015). Collection method: clinical testing. Allele origin: germline.